The following is an entry in ClinVar:

NM_001451.3(FOXF1):c.688G>A (p.Gly230Ser)

Gene: FOXF1 (forkhead box F1; plus strand). Cytogenetic location: 16q24.1.
Variant type: single nucleotide variant.
Coding change: c.688G>A on transcript NM_001451.3 (MANE Select); coding-DNA position 688, G replaced by A.
Protein change: p.Gly230Ser; replaces glycine 230 with serine.
Molecular consequence: missense variant.
Genome position (GRCh38, 1-based): chr16:86,511,257, G>A. VCF-style: chr16-86511257-G-A. GRCh37 (hg19) VCF-style: chr16-86544863-G-A.
Other names: short protein forms G230S.
Identifiers: ClinVar variation 4706000 (VCV004706000.1).

ClinVar aggregate classification (germline): Uncertain significance (1 of 4 stars; one submission).

gnomAD v4.1: 4 of 1,519,708 alleles (0.00026%); highest among the groups gnomAD compares: African/African-American, 0.0014%; no homozygotes.

Submission:

Labcorp Genetics (formerly Invitae), Labcorp
Classification: Uncertain significance. Last evaluated: 2025-05-06. Review status: criteria provided, single submitter. Criteria: Invitae Variant Classification Sherloc (09022015). Collection method: clinical testing. Allele origin: germline.
Comment: This sequence change replaces glycine, which is neutral and non-polar, with serine, which is neutral and polar, at codon 230 of the FOXF1 protein (p.Gly230Ser). The frequency data for this variant in the population databases is considered unreliable, as metrics indicate poor data quality at this position in the gnomAD database. This variant has not been reported in the literature in individuals affected with FOXF1-related conditions. Invitae Evidence Modeling of protein sequence and biophysical properties (such as structural, functional, and spatial information, amino acid conservation, physicochemical variation, residue mobility, and thermodynamic stability) indicates that this missense variant is not expected to disrupt FOXF1 protein function with a negative predictive value of 80%. In summary, the available evidence is currently insufficient to determine the role of this variant in disease. Therefore, it has been classified as a Variant of Uncertain Significance.